The following is an entry in ClinVar:

NM_198859.4(PRICKLE2):c.578C>T (p.Pro193Leu)

Gene: PRICKLE2 (prickle planar cell polarity protein 2; minus strand). Cytogenetic location: 3p14.1.
Variant type: single nucleotide variant.
Coding change: c.578C>T on transcript NM_198859.4 (MANE Select); coding-DNA position 578, C replaced by T.
Protein change: p.Pro193Leu; replaces proline 193 with leucine.
Molecular consequence: missense variant.
Genome position (GRCh38, 1-based): chr3:64,157,184, G>A on the plus strand (C>T on the coding strand, the complement: PRICKLE2 is on the minus strand). VCF-style: chr3-64157184-G-A. GRCh37 (hg19) VCF-style: chr3-64142860-G-A.
Other names: c.578C>T, p.Pro193Leu (NM_001370528.1); short protein forms P193L.
Identifiers: ClinVar variation 2717120 (VCV002717120.3), dbSNP rs371799409, ClinGen allele CA2479795.

ClinVar aggregate classification (germline): Uncertain significance (1 of 4 stars; one submission).

Conditions:
Progressive myoclonic epilepsy type 5. Identifiers: Orphanet 402082, MedGen C5190799.

Allele frequency attached by ClinVar (database versions not stated): gnomAD exomes below 0.00001; ExAC 0.00001; ESP Exome Variant Server 0.00008.
gnomAD v4.1: 5 of 1,614,116 alleles (0.00031%); highest among the groups gnomAD compares: East Asian, 0.0022%; no homozygotes.

Submission:

Labcorp Genetics (formerly Invitae), Labcorp
Classification: Uncertain significance for Progressive myoclonic epilepsy type 5. Last evaluated: 2023-10-16. Review status: criteria provided, single submitter. Criteria: Invitae Variant Classification Sherloc (09022015). Collection method: clinical testing. Allele origin: germline.
Comment: This sequence change replaces proline, which is neutral and non-polar, with leucine, which is neutral and non-polar, at codon 193 of the PRICKLE2 protein (p.Pro193Leu). This variant is present in population databases (rs371799409, gnomAD 0.006%). This variant has not been reported in the literature in individuals affected with PRICKLE2-related conditions. Advanced modeling of protein sequence and biophysical properties (such as structural, functional, and spatial information, amino acid conservation, physicochemical variation, residue mobility, and thermodynamic stability) performed at Invitae indicates that this missense variant is expected to disrupt PRICKLE2 protein function. In summary, the available evidence is currently insufficient to determine the role of this variant in disease. Therefore, it has been classified as a Variant of Uncertain Significance.